The following is an entry in ClinVar:

NM_003325.4(HIRA):c.2806C>T (p.Arg936Cys)

Gene: HIRA (histone cell cycle regulator; minus strand). Cytogenetic location: 22q11.21.
Variant type: single nucleotide variant.
Coding change: c.2806C>T on transcript NM_003325.4 (MANE Select); coding-DNA position 2806, C replaced by T.
Protein change: p.Arg936Cys; replaces arginine 936 with cysteine.
Molecular consequence: missense variant.
Genome position (GRCh38, 1-based): chr22:19,353,398, G>A on the plus strand (C>T on the coding strand, the complement: HIRA is on the minus strand). VCF-style: chr22-19353398-G-A. GRCh37 (hg19) VCF-style: chr22-19340921-G-A.
Other names: short protein forms R936C.
Identifiers: ClinVar variation 5022654 (VCV005022654.1).

ClinVar aggregate classification (germline): Uncertain significance (1 of 4 stars; one submission).

gnomAD v4.1: 6 of 1,613,050 alleles (0.00037%); highest among the groups gnomAD compares: Non-Finnish European, 0.00051%; no homozygotes.

Submission:

Ambry Genetics
Classification: Uncertain significance. Last evaluated: 2026-08-27. Review status: criteria provided, single submitter. Criteria: Ambry Variant Classification Scheme 2023. Collection method: clinical testing. Allele origin: germline.
Comment: The c.2806C>T (p.R936C) alteration is located in exon 23 (coding exon 23) of the HIRA gene. This alteration results from a C to T substitution at nucleotide position 2806, causing the arginine (R) at amino acid position 936 to be replaced by a cysteine (C). Based on data from gnomAD, the T allele has an overall frequency of <0.001% (1/250400) total alleles studied. The highest observed frequency was 0.006% (1/18348) of East Asian alleles. Based on insufficient or conflicting evidence, the clinical significance of this alteration remains unclear.